The following is an entry in ClinVar:

ClinVar aggregate classification (germline): Likely benign. Review status: criteria provided, single submitter (1 of 4 stars). 2 submissions from 2 submitters: Likely benign (1). 1 of the submissions does not count toward it. Last evaluated 2024-03-07.

Allele frequency attached by ClinVar (database versions not stated): 1000 Genomes Project 0.00020; TOPMed 0.00024; gnomAD exomes 0.00006; ExAC 0.00007; ESP Exome Variant Server 0.00023; gnomAD 0.00025 and 0.00026; 1000 Genomes Project 30x 0.00016.
gnomAD v4.1: 67 of 1,609,114 alleles (0.0042%); highest among the groups gnomAD compares: African/African-American, 0.081%; no homozygotes.

Submissions (2):

Labcorp Genetics (formerly Invitae), Labcorp
Classification: Likely benign. Last evaluated: 2024-03-07. Review status: criteria provided, single submitter. Criteria: Invitae Variant Classification Sherloc (09022015). Collection method: clinical testing. Allele origin: germline.

ITMI
No classification provided. Condition: AllHighlyPenetrant. Last evaluated: 2013-09-19. Review status: no classification provided. Collection method: reference population. Allele origin: germline. Not counted in ClinVar's aggregate classification.
Comment: Please see associated publication for description of ethnicities

Literature cited by the submitters: PubMed 24728327 (cited by ITMI).

NM_170606.3(KMT2C):c.10024G>T (p.Ala3342Ser)

Gene: KMT2C (lysine methyltransferase 2C; minus strand). Cytogenetic location: 7q36.1.
Variant type: single nucleotide variant.
Coding change: c.10024G>T on transcript NM_170606.3 (MANE Select); coding-DNA position 10024, G replaced by T.
Protein change: p.Ala3342Ser; replaces alanine 3342 with serine.
Molecular consequence: missense variant.
Genome position (GRCh38, 1-based): chr7:152,163,553, C>A on the plus strand (G>T on the coding strand, the complement: KMT2C is on the minus strand). VCF-style: chr7-152163553-C-A. GRCh37 (hg19) VCF-style: chr7-151860638-C-A.
Other names: short protein forms A3342S.
Identifiers: ClinVar variation 134796 (VCV000134796.9), dbSNP rs144376311, ClinGen allele CA160761.